The following is an entry in ClinVar:

NM_017636.4(TRPM4):c.1867G>A (p.Gly623Ser)

Gene: TRPM4 (transient receptor potential cation channel subfamily M member 4; plus strand). Cytogenetic location: 19q13.33.
Variant type: single nucleotide variant.
Coding change: c.1867G>A on transcript NM_017636.4 (MANE Select); coding-DNA position 1867, G replaced by A.
Protein change: p.Gly623Ser; replaces glycine 623 with serine.
Molecular consequence: missense variant.
Genome position (GRCh38, 1-based): chr19:49,188,764, G>A. VCF-style: chr19-49188764-G-A. GRCh37 (hg19) VCF-style: chr19-49692021-G-A.
Other names: c.1867G>A, p.Gly623Ser (NM_001195227.2); c.1522G>A, p.Gly508Ser (NM_001321281.2); c.259G>A, p.Gly87Ser (NM_001321282.2); c.1345G>A, p.Gly449Ser (NM_001321283.2); c.805G>A, p.Gly269Ser (NM_001321285.2); short protein forms G269S, G449S, G508S, G623S, G87S.
Identifiers: ClinVar variation 2504812 (VCV002504812.1), dbSNP rs2514142137, ClinGen allele CA406803376.

ClinVar aggregate classification (germline): Uncertain significance (1 of 4 stars; one submission).

Submission:

GeneDx
Classification: Uncertain significance. Last evaluated: 2022-12-09. Review status: criteria provided, single submitter. Criteria: GeneDx Variant Classification Process June 2021. Collection method: clinical testing. Allele origin: germline. Affected: yes.
Comment: Has not been previously published as pathogenic or benign to our knowledge; Not observed at significant frequency in large population cohorts (gnomAD); In silico analysis supports that this missense variant does not alter protein structure/function